The following is an entry in ClinVar:

NM_007294.4(BRCA1):c.3317del (p.Pro1106fs)

Genes: BRCA1 (BRCA1 DNA repair associated; minus strand), LOC126862571 (BRD4-independent group 4 enhancer GRCh37_chr17:41243136-41244335; plus strand). Cytogenetic location: 17q21.31.
Variant type: Deletion.
Coding change: c.3317del on transcript NM_007294.4 (MANE Select); coding-DNA position 3317, one base deleted (C; older notation c.3317delC).
Protein change: p.Pro1106fs; shifts the reading frame from proline 1106.
Molecular consequence: frameshift variant. On other transcripts: intron variant (137).
Genome position (GRCh38, 1-based): chr17:43,092,214, G deleted on the plus strand (C on the coding strand, the reverse complement: BRCA1 is on the minus strand); the first of 2 consecutive G bases (chr17:43,092,214-43,092,215); deleting either gives the same sequence. VCF-style (leftmost placement, unchanged base first): chr17-43092213-AG-A. GRCh37 (hg19) VCF-style: chr17-41244230-AG-A.
Other names: c.3317delC (NM_007294.3); c.785-1182del (NM_001408397.1, NM_001408401.1, NM_001408396.1 and 13 more transcripts); c.665-1182del (NM_001408436.1, NM_001408444.1, NM_001408438.1 and 12 more transcripts); c.788-1182del (NM_001407980.1, NM_001407993.1, NM_001407976.1 and 17 more transcripts); c.653-1182del (NM_001408451.1); c.644-1182del (NM_001408464.1, NM_001408468.1, NM_001408465.1 and 3 more transcripts); c.524-1182del (NM_001408498.1, NM_001408501.1, NM_001408500.1 and 3 more transcripts); c.647-1182del (NM_001408467.1, NM_001408459.1, NM_001408455.1 and 11 more transcripts); and 42 more; short protein forms P1106fs, P1059fs, P1018fs, P1035fs, P1064fs, P1080fs, P1103fs, P1017fs.
Identifiers: ClinVar variation 548261 (VCV000548261.6), dbSNP rs1555587972, ClinGen allele CA658823974.
Genomic context (GRCh38, chr17:43,092,213, plus strand): 5'-TGGAGAGAAATCTGTATTAACAGTCTGAACTACTTCTTCATATTCTTGCTTTTTTATTTC[AG>A]GATGCTTACAATTACTTCCAGGAAGACTTTGTTTATAGACCTCAGGTTGCAAAACCCCTA-3'

ClinVar aggregate classification (germline): Pathogenic. Review status: reviewed by expert panel (3 of 4 stars). 2 submissions from 2 submitters: Pathogenic (1). 1 of the submissions does not count toward it. Last evaluated 2017-12-15.

Conditions:
Breast-ovarian cancer, familial, susceptibility to, 1 (BROVCA1). Also called: BRCA1 Hereditary Breast and Ovarian Cancer; OVARIAN CANCER, SUSCEPTIBILITY TO. Identifiers: Orphanet 145, MedGen C2676676, MONDO:0011450, OMIM 604370. Disease mechanism: loss of function.
Hereditary cancer-predisposing syndrome. Also called: Tumor predisposition; Neoplastic Syndromes, Hereditary; Hereditary Cancer Syndrome; Hereditary neoplastic syndrome. Identifiers: Orphanet 140162, MedGen C0027672, MeSH D009386, MONDO:0015356.

Submissions (2):

Evidence-based Network for the Interpretation of Germline Mutant Alleles (ENIGMA)
Classification: Pathogenic for Breast-ovarian cancer, familial, susceptibility to, 1. Last evaluated: 2017-12-15. Review status: reviewed by expert panel. Criteria: ENIGMA BRCA1/2 Classification Criteria (2017-06-29). Collection method: curation. Allele origin: germline. Study: ENIGMA.
Comment: Variant allele predicted to encode a truncated non-functional protein.

Ambry Genetics
Classification: Pathogenic for Hereditary cancer-predisposing syndrome. Last evaluated: 2019-03-04. Review status: criteria provided, single submitter. Criteria: Ambry Variant Classification Scheme 2023. Collection method: clinical testing. Allele origin: germline. Not counted in ClinVar's aggregate classification.
Comment: The c.3317delC pathogenic mutation, located in coding exon 9 of the BRCA1 gene, results from a deletion of one nucleotide at nucleotide position 3317, causing a translational frameshift with a predicted alternate stop codon (p.P1106Lfs*3). This alteration is expected to result in loss of function by premature protein truncation or nonsense-mediated mRNA decay. As such, this alteration is interpreted as a disease-causing mutation.